The following is an entry in ClinVar:

ClinVar aggregate classification (germline): Uncertain significance (1 of 4 stars; one submission).

Submission:

Labcorp Genetics (formerly Invitae), Labcorp
Classification: Uncertain significance. Last evaluated: 2025-09-10. Review status: criteria provided, single submitter. Criteria: Invitae Variant Classification Sherloc (09022015). Collection method: clinical testing. Allele origin: germline.
Comment: This sequence change replaces cysteine, which is neutral and slightly polar, with arginine, which is basic and polar, at codon 699 of the NOTCH3 protein (p.Cys699Arg). This variant is not present in population databases (gnomAD no frequency). This variant has not been reported in the literature in individuals affected with NOTCH3-related conditions. Invitae Evidence Modeling of protein sequence and biophysical properties (such as structural, functional, and spatial information, amino acid conservation, physicochemical variation, residue mobility, and thermodynamic stability) indicates that this missense variant is expected to disrupt NOTCH3 protein function with a positive predictive value of 95%. In summary, the available evidence is currently insufficient to determine the role of this variant in disease. Therefore, it has been classified as a Variant of Uncertain Significance.

NM_000435.3(NOTCH3):c.2095T>C (p.Cys699Arg)

Gene: NOTCH3 (notch receptor 3; minus strand). Cytogenetic location: 19p13.12.
Variant type: single nucleotide variant.
Coding change: c.2095T>C on transcript NM_000435.3 (MANE Select); coding-DNA position 2095, T replaced by C.
Protein change: p.Cys699Arg; replaces cysteine 699 with arginine.
Molecular consequence: missense variant.
Genome position (GRCh38, 1-based): chr19:15,185,536, A>G on the plus strand (T>C on the coding strand, the complement: NOTCH3 is on the minus strand). VCF-style: chr19-15185536-A-G. GRCh37 (hg19) VCF-style: chr19-15296347-A-G.
Other names: short protein forms C699R.
Identifiers: ClinVar variation 4797958 (VCV004797958.1).